The following is an entry in ClinVar:

ClinVar aggregate classification (germline): Likely benign (0 of 4 stars; one submission).

Conditions:
ERCC1-related disorder. Also called: ERCC1-related condition.

Allele frequency attached by ClinVar (database versions not stated): 1000 Genomes Project 30x 0.00219; 1000 Genomes Project 0.00220; TOPMed 0.00390; gnomAD 0.00415; ExAC 0.00557; gnomAD exomes 0.00574; ESP Exome Variant Server 0.00646.
gnomAD v4.1: 7,103 of 1,289,254 alleles (0.55%); highest among the groups gnomAD compares: Non-Finnish European, 0.68%; 24 homozygotes.

Submission:

PreventionGenetics, part of Exact Sciences
Classification: Likely benign for ERCC1-related condition. Last evaluated: 2019-04-05. Review status: no assertion criteria provided. Collection method: clinical testing. Allele origin: germline.
Comment: This variant is classified as likely benign based on ACMG/AMP sequence variant interpretation guidelines (Richards et al. 2015 PMID: 25741868, with internal and published modifications).

NM_001983.4(ERCC1):c.*9G>C

Genes: ERCC1 (ERCC excision repair 1, endonuclease non-catalytic subunit; minus strand), POLR1G (RNA polymerase I subunit G; plus strand). Cytogenetic location: 19q13.32.
Variant type: single nucleotide variant.
Coding change: c.*9G>C on transcript NM_001983.4 (MANE Select); 9 bases downstream of the stop codon, G replaced by C.
Molecular consequence: 3 prime UTR variant.
Genome position (GRCh38, 1-based): chr19:45,409,666, C>G on the plus strand (G>C on the coding strand, the complement: ERCC1 is on the minus strand). VCF-style: chr19-45409666-C-G. GRCh37 (hg19) VCF-style: chr19-45912924-C-G.
Other names: c.*165C>G (NM_001297590.3, NM_012099.3); c.*9G>C (NM_001166049.2, NM_001369412.1, NM_001369413.1 and 6 more transcripts).
Identifiers: ClinVar variation 3043696 (VCV003043696.2), dbSNP rs2229918, ClinGen allele CA9515214.
Genomic context (GRCh38, chr19:45,409,666, plus strand): 5'-GCCAGCAGGAGCCTGGCCTGGGAGGACGATTTATTATTACACTGGGGGTTTCCTTGGCAG[C>G]TGGGGTCATCAGGGTACTTTCAAGAAGGGCTCGTGCAGGACATCAAACAGCCTCCGGGCC-3'